The following is an entry in ClinVar:

NM_001130987.2(DYSF):c.5110G>A (p.Asp1704Asn)

Gene: DYSF (dysferlin; plus strand). Cytogenetic location: 2p13.2.
Variant type: single nucleotide variant.
Coding change: c.5110G>A on transcript NM_001130987.2 (MANE Select); coding-DNA position 5110, G replaced by A.
Protein change: p.Asp1704Asn; replaces aspartic acid 1704 with asparagine.
Molecular consequence: missense variant.
Genome position (GRCh38, 1-based): chr2:71,664,374, G>A. VCF-style: chr2-71664374-G-A. GRCh37 (hg19) VCF-style: chr2-71891504-G-A.
Other names: c.4996G>A, p.Asp1666Asn (NM_001130455.2); c.4951G>A, p.Asp1651Asn (NM_001130976.2); c.5014G>A, p.Asp1672Asn (NM_001130977.2); c.5056G>A, p.Asp1686Asn (NM_001130978.2); c.5086G>A, p.Asp1696Asn (NM_001130979.2); c.5044G>A, p.Asp1682Asn (NM_001130980.2); c.5107G>A, p.Asp1703Asn (NM_001130981.2); c.5089G>A, p.Asp1697Asn (NM_001130982.2); and 5 more; short protein forms D1683N, D1652N, D1666N, D1672N, D1673N, D1696N, D1704N, D1651N.
Identifiers: ClinVar variation 945075 (VCV000945075.6), dbSNP rs781415745, ClinGen allele CA1707250.

ClinVar aggregate classification (germline): Uncertain significance. Review status: criteria provided, single submitter (1 of 4 stars). 2 submissions from 2 submitters: Uncertain significance (1). 1 of the submissions does not count toward it. Last evaluated 2021-08-20.

Conditions:
Autosomal recessive limb-girdle muscular dystrophy type 2B (LGMDR2). Also called: Limb-Girdle Muscular Dystrophy Type 2B (LGMD2B); MUSCULAR DYSTROPHY, LIMB-GIRDLE, TYPE 3; Limb-girdle muscular dystrophy, type 2B; MUSCULAR DYSTROPHY, LIMB-GIRDLE, AUTOSOMAL RECESSIVE 2. Identifiers: Orphanet 268, MedGen C1850889, MONDO:0009676, OMIM 253601.
Neuromuscular disease caused by qualitative or quantitative defects of dysferlin. Also called: Dysferlinopathy; Qualitative or quantitative defects of dysferlin. Identifiers: Orphanet 207073, MedGen C2931687, MONDO:0016145.

Allele frequency attached by ClinVar (database versions not stated): gnomAD exomes below 0.00001; TOPMed below 0.00001; ExAC 0.00001; gnomAD 0.00001.
gnomAD v4.1: 2 of 1,614,028 alleles (0.00012%); highest among the groups gnomAD compares: African/African-American, 0.0013%; no homozygotes.

Submissions (2):

Labcorp Genetics (formerly Invitae), Labcorp
Classification: Uncertain significance for Neuromuscular disease caused by qualitative or quantitative defects of dysferlin. Last evaluated: 2021-08-20. Review status: criteria provided, single submitter. Criteria: Invitae Variant Classification Sherloc (09022015). Collection method: clinical testing. Allele origin: germline.
Comment: This sequence change replaces aspartic acid with asparagine at codon 1665 of the DYSF protein (p.Asp1665Asn). The aspartic acid residue is highly conserved and there is a small physicochemical difference between aspartic acid and asparagine. This variant is present in population databases (rs781415745, ExAC 0.01%). This missense change has been observed in individual(s) with clinical features of DYSF-related conditions (Invitae). Algorithms developed to predict the effect of missense changes on protein structure and function are either unavailable or do not agree on the potential impact of this missense change (SIFT: "Tolerated"; PolyPhen-2: "Probably Damaging"; Align-GVGD: "Class C0"). In summary, the available evidence is currently insufficient to determine the role of this variant in disease. Therefore, it has been classified as a Variant of Uncertain Significance.

Natera, Inc.
Classification: Uncertain significance for Limb-girdle muscular dystrophy type 2B. Last evaluated: 2020-10-13. Review status: no assertion criteria provided. Collection method: clinical testing. Allele origin: germline. Not counted in ClinVar's aggregate classification.